The following is an entry in ClinVar:

NM_030632.3(ASXL3):c.2270A>C (p.Asn757Thr)

Gene: ASXL3 (ASXL transcriptional regulator 3; plus strand). Cytogenetic location: 18q12.1.
Variant type: single nucleotide variant.
Coding change: c.2270A>C on transcript NM_030632.3 (MANE Select); coding-DNA position 2270, A replaced by C.
Protein change: p.Asn757Thr; replaces asparagine 757 with threonine.
Molecular consequence: missense variant.
Genome position (GRCh38, 1-based): chr18:33,739,674, A>C. VCF-style: chr18-33739674-A-C. GRCh37 (hg19) VCF-style: chr18-31319638-A-C.
Other names: short protein forms N757T.
Identifiers: ClinVar variation 3897114 (VCV003897114.1).
Genomic context (GRCh38, chr18:33,739,674, plus strand): 5'-CCTCTGAGACCACTTTTGTATCCAGTTTGCCACTTCCTTCAGAAACATCTCCAATTTCCA[A>C]CTCTTCCATAAATGAGAGAATGGCACATCAGCAAAGAAAGTCACCTTCTGTATCTGAAGA-3'
Protein context (NP_085135.1, residues 747-767): PLPSETSPIS[Asn757Thr]SSINERMAHQ

ClinVar aggregate classification (germline): Uncertain significance (1 of 4 stars; one submission).

Submission:

GeneDx
Classification: Uncertain significance. Last evaluated: 2024-11-03. Review status: criteria provided, single submitter. Criteria: GeneDx Variant Classification Process June 2021. Collection method: clinical testing. Allele origin: germline. Affected: yes.
Comment: Not observed at significant frequency in large population cohorts (gnomAD); In silico analysis indicates that this missense variant does not alter protein structure/function; Has not been previously published as pathogenic or benign to our knowledge